The following is an entry in ClinVar:

ClinVar aggregate classification (germline): Likely benign. Review status: criteria provided, multiple submitters, no conflicts (2 of 4 stars). 2 submissions from 2 submitters: Likely benign (2). Last evaluated 2025-10-06.

Conditions:
KATNB1-related disorder. Also called: KATNB1-related condition.

Allele frequency attached by ClinVar (database versions not stated): ExAC 0.00006; ESP Exome Variant Server 0.00008; gnomAD 0.00009.

Submissions (2):

Labcorp Genetics (formerly Invitae), Labcorp
Classification: Likely benign. Last evaluated: 2025-10-06. Review status: criteria provided, single submitter. Criteria: Invitae Variant Classification Sherloc (09022015). Collection method: clinical testing. Allele origin: germline.

PreventionGenetics, part of Exact Sciences
Classification: Likely benign for KATNB1-related condition. Last evaluated: 2025-06-30. Review status: criteria provided, single submitter. Criteria: ACMG Guidelines, 2015. Collection method: clinical testing. Allele origin: germline.
Comment: This variant is classified as likely benign based on ACMG/AMP sequence variant interpretation guidelines (Richards et al. 2015 PMID: 25741868, with internal and published modifications).

NM_005886.3(KATNB1):c.882C>T (p.Asn294=)

Gene: KATNB1 (katanin regulatory subunit B1; plus strand). Cytogenetic location: 16q21.
Variant type: single nucleotide variant.
Coding change: c.882C>T on transcript NM_005886.3 (MANE Select); coding-DNA position 882, C replaced by T.
Protein change: p.Asn294=; no amino-acid change (asparagine 294 retained).
Molecular consequence: synonymous variant.
Genome position (GRCh38, 1-based): chr16:57,753,103, C>T. VCF-style: chr16-57753103-C-T. GRCh37 (hg19) VCF-style: chr16-57787015-C-T.
Other names: c.882C>T (NM_005886.2).
Identifiers: ClinVar variation 2173883 (VCV002173883.5), dbSNP rs201626477, ClinGen allele CA8080934.